The following is an entry in ClinVar:

ClinVar aggregate classification (germline): Conflicting classifications of pathogenicity. Review status: criteria provided, conflicting classifications (1 of 4 stars). 4 submissions from 4 submitters: Uncertain significance (2); Likely benign (2). Last evaluated 2025-10-15.

Conditions:
Retinitis pigmentosa 80 (RP80). Identifiers: MedGen C4540439, MONDO:0054708, OMIM 617781.
Saldino-Mainzer syndrome (SRTD9). Also called: Renal dysplasia, retinal pigmentary dystrophy, cerebellar ataxia and skeletal dysplasia; short-rib thoracic dysplasia 9 with or without polydactyly; SHORT-RIB THORACIC DYSPLASIA 9 WITHOUT POLYDACTYLY; CONORENAL SYNDROME. Identifiers: Orphanet 140969, MedGen C1849437, MONDO:0009964, OMIM 266920.
IFT140-related disorder. Also called: IFT140-related condition.
Retinal dystrophy. Also called: Inherited retinal dystrophy. Identifiers: Orphanet 71862, MedGen C0854723, MeSH D058499, MONDO:0019118, HP:0000556.

Allele frequency attached by ClinVar (database versions not stated): 1000 Genomes Project 0.00020; gnomAD exomes 0.00001 and 0.00002; gnomAD 0.00002 and 0.00003; TOPMed 0.00002; 1000 Genomes Project 30x 0.00016.
gnomAD v4.1: 37 of 1,614,036 alleles (0.0023%); highest among the groups gnomAD compares: Admixed American, 0.005%; no homozygotes.

Submissions (4):

PreventionGenetics, part of Exact Sciences
Classification: Likely benign for IFT140-related condition. Last evaluated: 2025-10-15. Review status: criteria provided, single submitter. Criteria: ACMG Guidelines, 2015. Collection method: clinical testing. Allele origin: germline.
Comment: This variant is classified as likely benign based on ACMG/AMP sequence variant interpretation guidelines (Richards et al. 2015 PMID: 25741868, with internal and published modifications).

Labcorp Genetics (formerly Invitae), Labcorp
Classification: Likely benign for Saldino-Mainzer syndrome. Last evaluated: 2025-05-26. Review status: criteria provided, single submitter. Criteria: Invitae Variant Classification Sherloc (09022015). Collection method: clinical testing. Allele origin: germline.

Fulgent Genetics
Classification: Uncertain significance for Saldino-Mainzer syndrome; Retinitis pigmentosa 80. Last evaluated: 2024-03-27. Review status: criteria provided, single submitter. Criteria: ACMG Guidelines, 2015. Collection method: clinical testing. Allele origin: germline.

Dept Of Ophthalmology, Nagoya University
Classification: Uncertain significance for Retinal dystrophy. Last evaluated: 2023-10-01. Review status: criteria provided, single submitter. Criteria: Submitter's publication. Collection method: research. Allele origin: germline. Affected: yes.

NM_014714.4(IFT140):c.1368C>T (p.Val456=)

Genes: IFT140 (intraflagellar transport 140; minus strand), LOC105371046 (uncharacterized LOC105371046; plus strand). Cytogenetic location: 16p13.3.
Variant type: single nucleotide variant.
Coding change: c.1368C>T on transcript NM_014714.4 (MANE Select); coding-DNA position 1368, C replaced by T.
Protein change: p.Val456=; no amino-acid change (valine 456 retained).
Molecular consequence: synonymous variant.
Genome position (GRCh38, 1-based): chr16:1,583,378, G>A on the plus strand (C>T on the coding strand, the complement: IFT140 is on the minus strand). VCF-style: chr16-1583378-G-A. GRCh37 (hg19) VCF-style: chr16-1633379-G-A.
Other names: c.1368C>T (NM_014714.3).
Identifiers: ClinVar variation 1607105 (VCV001607105.11), dbSNP rs561657958, ClinGen allele CA276679848.